The following is an entry in ClinVar:

ClinVar aggregate classification (germline): Uncertain significance. Review status: criteria provided, multiple submitters, no conflicts (2 of 4 stars). 2 submissions from 2 submitters: Uncertain significance (2). Last evaluated 2024-12-04.

Allele frequency attached by ClinVar (database versions not stated): gnomAD 0.00001; TOPMed 0.00001.

Submissions (2):

Ambry Genetics
Classification: Uncertain significance. Last evaluated: 2024-12-04. Review status: criteria provided, single submitter. Criteria: Ambry Variant Classification Scheme 2023. Collection method: clinical testing. Allele origin: germline.

Labcorp Genetics (formerly Invitae), Labcorp
Classification: Uncertain significance. Last evaluated: 2024-09-03. Review status: criteria provided, single submitter. Criteria: Invitae Variant Classification Sherloc (09022015). Collection method: clinical testing. Allele origin: germline.
Comment: This sequence change replaces valine, which is neutral and non-polar, with methionine, which is neutral and non-polar, at codon 98 of the GPR45 protein (p.Val98Met). This variant is present in population databases (no rsID available, gnomAD 0.003%). This variant has not been reported in the literature in individuals affected with GPR45-related conditions. ClinVar contains an entry for this variant (Variation ID: 2166135). An algorithm developed to predict the effect of missense changes on protein structure and function (PolyPhen-2) suggests that this variant is likely to be disruptive. In summary, the available evidence is currently insufficient to determine the role of this variant in disease. Therefore, it has been classified as a Variant of Uncertain Significance.

NM_007227.3(GPR45):c.292G>A (p.Val98Met)

Gene: GPR45 (G protein-coupled receptor 45; plus strand). Cytogenetic location: 2q12.1.
Variant type: single nucleotide variant.
Coding change: c.292G>A on transcript NM_007227.3 (MANE Select); coding-DNA position 292, G replaced by A.
Protein change: p.Val98Met; replaces valine 98 with methionine.
Molecular consequence: missense variant.
Genome position (GRCh38, 1-based): chr2:105,242,150, G>A. VCF-style: chr2-105242150-G-A. GRCh37 (hg19) VCF-style: chr2-105858607-G-A.
Other names: short protein forms V98M.
Identifiers: ClinVar variation 2166135 (VCV002166135.5), dbSNP rs1460940995, ClinGen allele CA348099733.
Genomic context (GRCh38, chr2:105,242,150, plus strand): 5'-TTCTCCGACATCATGCTGTCCCTCTGCTGCATGCCCTTCACCGCCGTCACCCTCATCACC[G>A]TGCGCTGGCACTTTGGGGACCACTTCTGCCGCCTCTCAGCCACGCTCTACTGGTTTTTTG-3'
Protein context (NP_009158.3, residues 88-108): MPFTAVTLIT[Val98Met]RWHFGDHFCR